The following is an entry in ClinVar:

NM_000440.3(PDE6A):c.310G>C (p.Gly104Arg)

Gene: PDE6A (phosphodiesterase 6A; minus strand). Cytogenetic location: 5q32.
Variant type: single nucleotide variant.
Coding change: c.310G>C on transcript NM_000440.3 (MANE Select); coding-DNA position 310, G replaced by C.
Protein change: p.Gly104Arg; replaces glycine 104 with arginine.
Molecular consequence: missense variant.
Genome position (GRCh38, 1-based): chr5:149,944,364, C>G on the plus strand (G>C on the coding strand, the complement: PDE6A is on the minus strand). VCF-style: chr5-149944364-C-G. GRCh37 (hg19) VCF-style: chr5-149323927-C-G.
Other names: short protein forms G104R.
Identifiers: ClinVar variation 1009299 (VCV001009299.7), dbSNP rs1030770784, ClinGen allele CA129059222.
Genomic context (GRCh38, chr5:149,944,364, plus strand): 5'-AGTCCTCGAGGACAGCATCCTTGTGGACATTGAAAAGCCTGGTGGCCAGCTCTGCGATGC[C>G]ATTGCGGGTCCGGTACATGAACAGGCTCATGCGGTCTGCCTGCAGGAGGAAGCACAGCTT-3'
Protein context (NP_000431.2, residues 94-114): MSLFMYRTRN[Gly104Arg]IAELATRLFN

ClinVar aggregate classification (germline): Uncertain significance. Review status: criteria provided, multiple submitters, no conflicts (2 of 4 stars). 2 submissions from 2 submitters: Uncertain significance (2). Last evaluated 2022-02-23.

Allele frequency attached by ClinVar (database versions not stated): TOPMed 0.00001; gnomAD 0.00002.
gnomAD v4.1: 18 of 1,614,006 alleles (0.0011%); highest among the groups gnomAD compares: Non-Finnish European, 0.0015%; no homozygotes.

Submissions (2):

Labcorp Genetics (formerly Invitae), Labcorp
Classification: Uncertain significance. Last evaluated: 2022-02-23. Review status: criteria provided, single submitter. Criteria: Invitae Variant Classification Sherloc (09022015). Collection method: clinical testing. Allele origin: germline.
Comment: This sequence change replaces glycine, which is neutral and non-polar, with arginine, which is basic and polar, at codon 104 of the PDE6A protein (p.Gly104Arg). This variant is present in population databases (no rsID available, gnomAD 0.007%). In summary, the available evidence is currently insufficient to determine the role of this variant in disease. Therefore, it has been classified as a Variant of Uncertain Significance. Algorithms developed to predict the effect of missense changes on protein structure and function are either unavailable or do not agree on the potential impact of this missense change (SIFT: "Deleterious"; PolyPhen-2: "Possibly Damaging"; Align-GVGD: "Class C0"). ClinVar contains an entry for this variant (Variation ID: 1009299). This variant has not been reported in the literature in individuals affected with PDE6A-related conditions.

Blueprint Genetics
Classification: Uncertain significance. Last evaluated: 2020-05-15. Review status: criteria provided, single submitter. Criteria: ACMG Guidelines, 2015. Collection method: clinical testing. Allele origin: germline.